The following is an entry in ClinVar:

NM_000051.4(ATM):c.5006-20A>G

Gene: ATM (ATM serine/threonine kinase; plus strand). Cytogenetic location: 11q22.3.
Variant type: single nucleotide variant.
Coding change: c.5006-20A>G on transcript NM_000051.4 (MANE Select); 20 bases into the intron before coding-DNA position 5006, A replaced by G.
Molecular consequence: intron variant.
Genome position (GRCh38, 1-based): chr11:108,299,694, A>G. VCF-style: chr11-108299694-A-G. GRCh37 (hg19) VCF-style: chr11-108170421-A-G.
Other names: c.5006-20A>G (NM_001351834.2).
Identifiers: ClinVar variation 3254225 (VCV003254225.1), dbSNP rs2546963562.
Genomic context (GRCh38, chr11:108,299,694, plus strand): 5'-TAGTTTTGAAATTAGAAAATTTCAGTTTTATGTATGATCTCTTACCTATGACTCTACTGA[A>G]ATAGAATTTCTATATGTAGAGGCTGTTGGAAGCTGCTTGGGAGAAGTGGGTCCTATAGAT-3'

ClinVar aggregate classification (germline): Likely benign (1 of 4 stars; one submission).

Conditions:
Familial cancer of breast. Also called: BREAST CANCER, FAMILIAL; Hereditary breast cancer; hereditary breast carcinoma. Identifiers: Orphanet 227535, MedGen C0346153, MONDO:0016419, OMIM 114480. Disease mechanism: loss of function.

Submission:

Myriad Genetics, Inc.
Classification: Likely benign for Familial cancer of breast. Last evaluated: 2024-05-21. Review status: criteria provided, single submitter. Criteria: Myriad Autosomal Dominant, Autosomal Recessive and X-Linked Classification Criteria (2023). Collection method: clinical testing. Allele origin: unknown.
Comment: This variant is considered likely benign. This variant is intronic and is not expected to impact mRNA splicing.